The following is an entry in ClinVar:

NM_004958.4(MTOR):c.1402T>A (p.Phe468Ile)

Gene: MTOR (mechanistic target of rapamycin kinase; minus strand). Cytogenetic location: 1p36.22.
Variant type: single nucleotide variant.
Coding change: c.1402T>A on transcript NM_004958.4 (MANE Select); coding-DNA position 1402, T replaced by A.
Protein change: p.Phe468Ile; replaces phenylalanine 468 with isoleucine.
Molecular consequence: missense variant.
Genome position (GRCh38, 1-based): chr1:11,243,124, A>T on the plus strand (T>A on the coding strand, the complement: MTOR is on the minus strand). VCF-style: chr1-11243124-A-T. GRCh37 (hg19) VCF-style: chr1-11303181-A-T.
Other names: c.1402T>A, p.Phe468Ile (NM_001386500.1); c.154T>A, p.Phe52Ile (NM_001386501.1); short protein forms F468I, F52I.
Identifiers: ClinVar variation 1520732 (VCV001520732.8), dbSNP rs916627100, ClinGen allele CA17948095.

ClinVar aggregate classification (germline): Uncertain significance (1 of 4 stars; one submission).

Allele frequency attached by ClinVar (database versions not stated): gnomAD exomes below 0.00001; gnomAD 0.00001; TOPMed 0.00001.
gnomAD v4.1: 4 of 1,614,020 alleles (0.00025%); highest among the groups gnomAD compares: African/African-American, 0.004%; no homozygotes.

Submission:

Labcorp Genetics (formerly Invitae), Labcorp
Classification: Uncertain significance. Last evaluated: 2024-08-28. Review status: criteria provided, single submitter. Criteria: Invitae Variant Classification Sherloc (09022015). Collection method: clinical testing. Allele origin: germline.
Comment: This sequence change replaces phenylalanine, which is neutral and non-polar, with isoleucine, which is neutral and non-polar, at codon 468 of the MTOR protein (p.Phe468Ile). This variant is present in population databases (no rsID available, gnomAD 0.01%). This variant has not been reported in the literature in individuals affected with MTOR-related conditions. ClinVar contains an entry for this variant (Variation ID: 1520732). Invitae Evidence Modeling of protein sequence and biophysical properties (such as structural, functional, and spatial information, amino acid conservation, physicochemical variation, residue mobility, and thermodynamic stability) indicates that this missense variant is not expected to disrupt MTOR protein function with a negative predictive value of 95%. In summary, the available evidence is currently insufficient to determine the role of this variant in disease. Therefore, it has been classified as a Variant of Uncertain Significance.